The following is an entry in ClinVar:

NM_017617.5(NOTCH1):c.3826T>C (p.Cys1276Arg)

Gene: NOTCH1 (notch receptor 1; minus strand). Cytogenetic location: 9q34.3.
Variant type: single nucleotide variant.
Coding change: c.3826T>C on transcript NM_017617.5 (MANE Select); coding-DNA position 3826, T replaced by C.
Protein change: p.Cys1276Arg; replaces cysteine 1276 with arginine.
Molecular consequence: missense variant.
Genome position (GRCh38, 1-based): chr9:136,506,791, A>G on the plus strand (T>C on the coding strand, the complement: NOTCH1 is on the minus strand). VCF-style: chr9-136506791-A-G. GRCh37 (hg19) VCF-style: chr9-139401243-A-G.
Other names: short protein forms C1276R.
Identifiers: ClinVar variation 3880483 (VCV003880483.1).

ClinVar aggregate classification (germline): Uncertain significance (1 of 4 stars; one submission).

Conditions:
Familial thoracic aortic aneurysm and aortic dissection (TAAD). Also called: Thoracic aortic aneurysms and dissections. Identifiers: Orphanet 91387, MedGen C4707243, MONDO:0019625.

gnomAD v4.1: 1 of 1,611,276 alleles (0.000062%); highest among the groups gnomAD compares: Non-Finnish European, 0.000085%; no homozygotes.

Submission:

Ambry Genetics
Classification: Uncertain significance for Familial thoracic aortic aneurysm and aortic dissection. Last evaluated: 2025-01-27. Review status: criteria provided, single submitter. Criteria: Ambry Variant Classification Scheme 2023. Collection method: clinical testing. Allele origin: germline.
Comment: The p.C1276R variant (also known as c.3826T>C), located in coding exon 23 of the NOTCH1 gene, results from a T to C substitution at nucleotide position 3826. The cysteine at codon 1276 is replaced by arginine, an amino acid with highly dissimilar properties. This amino acid position is conserved. In addition, this alteration is predicted to be deleterious by in silico analysis. Based on the available evidence, the clinical significance of this variant remains unclear.